The following is an entry in ClinVar:

NM_001039706.3(CFAP69):c.546G>A (p.Ala182=)

Gene: CFAP69 (cilia and flagella associated protein 69; plus strand). Cytogenetic location: 7q21.13.
Variant type: single nucleotide variant.
Coding change: c.546G>A on transcript NM_001039706.3 (MANE Select); coding-DNA position 546, G replaced by A.
Protein change: p.Ala182=; no amino-acid change (alanine 182 retained).
Molecular consequence: synonymous variant.
Genome position (GRCh38, 1-based): chr7:90,271,539, G>A. VCF-style: chr7-90271539-G-A. GRCh37 (hg19) VCF-style: chr7-89900853-G-A.
Other names: c.492G>A, p.Ala164= (NM_001160138.2); c.546G>A, p.Ala182= (NM_001363438.1).
Identifiers: ClinVar variation 709810 (VCV000709810.6), dbSNP rs138300755, ClinGen allele CA4333320.

ClinVar aggregate classification (germline): Benign. Review status: criteria provided, multiple submitters, no conflicts (2 of 4 stars). 3 submissions from 3 submitters: Benign (2). 1 of the submissions does not count toward it. Last evaluated 2019-12-31.

Conditions:
CFAP69-related disorder. Also called: CFAP69-related condition.

Allele frequency attached by ClinVar (database versions not stated): gnomAD exomes 0.00088 and 0.00196; ExAC 0.00213; gnomAD 0.00673 and 0.00725; ESP Exome Variant Server 0.00724; TOPMed 0.00769; 1000 Genomes Project 0.00839; 1000 Genomes Project 30x 0.00937.
gnomAD v4.1: 2,395 of 1,611,198 alleles (0.15%); highest among the groups gnomAD compares: African/African-American, 2.1%; 26 homozygotes.

Submissions (3):

Labcorp Genetics (formerly Invitae), Labcorp
Classification: Benign. Last evaluated: 2019-12-31. Review status: criteria provided, single submitter. Criteria: Invitae Variant Classification Sherloc (09022015). Collection method: clinical testing. Allele origin: germline.

Breakthrough Genomics
Classification: Benign. Review status: criteria provided, single submitter. Criteria: ACMG Guidelines, 2015. Collection method: not provided. Allele origin: germline. Inheritance: Autosomal recessive inheritance. Affected: yes.

PreventionGenetics, part of Exact Sciences
Classification: Likely benign for CFAP69-related condition. Last evaluated: 2024-08-30. Review status: no assertion criteria provided. Collection method: clinical testing. Allele origin: germline. Not counted in ClinVar's aggregate classification.
Comment: This variant is classified as likely benign based on ACMG/AMP sequence variant interpretation guidelines (Richards et al. 2015 PMID: 25741868, with internal and published modifications).